The following is an entry in ClinVar:

ClinVar aggregate classification (germline): Uncertain significance. Review status: criteria provided, multiple submitters, no conflicts (2 of 4 stars). 2 submissions from 2 submitters: Uncertain significance (2). Last evaluated 2023-03-01.

Conditions:
Inborn genetic diseases. Identifiers: MedGen C0950123, MeSH D030342.
Generalized epilepsy with febrile seizures plus, type 7 (GEFSP7). Also called: GEFS+, TYPE 7. Identifiers: Orphanet 36387, MedGen C2751778, MONDO:0013470, OMIM 613863.
Neuropathy, hereditary sensory and autonomic, type 2A (HSAN2A). Also called: HSAN IIA; WNK1-Related HSAN2 (HSAN2A); MORVAN DISEASE; NEUROPATHY, CONGENITAL SENSORY; NEUROPATHY, HEREDITARY SENSORY RADICULAR, AUTOSOMAL RECESSIVE; NEUROPATHY, HEREDITARY SENSORY, TYPE IIA. Identifiers: Orphanet 970, MedGen C2752089, MONDO:0024309, OMIM 201300.

Allele frequency attached by ClinVar (database versions not stated): gnomAD exomes 0.00001; ExAC 0.00002.
gnomAD v4.1: 7 of 1,612,280 alleles (0.00043%); highest among the groups gnomAD compares: South Asian, 0.0022%; no homozygotes.

Submissions (2):

Ambry Genetics
Classification: Uncertain significance for Inborn genetic diseases. Last evaluated: 2023-03-01. Review status: criteria provided, single submitter. Criteria: Ambry Variant Classification Scheme 2023. Collection method: clinical testing. Allele origin: germline.

Labcorp Genetics (formerly Invitae), Labcorp
Classification: Uncertain significance for Neuropathy, hereditary sensory and autonomic, type 2A; Generalized epilepsy with febrile seizures plus, type 7. Last evaluated: 2021-01-01. Review status: criteria provided, single submitter. Criteria: Invitae Variant Classification Sherloc (09022015). Collection method: clinical testing. Allele origin: germline.
Comment: This variant is present in population databases (rs749548794, ExAC 0.01%). In summary, the available evidence is currently insufficient to determine the role of this variant in disease. Therefore, it has been classified as a Variant of Uncertain Significance. Algorithms developed to predict the effect of missense changes on protein structure and function (SIFT, PolyPhen-2, Align-GVGD) all suggest that this variant is likely to be tolerated, but these predictions have not been confirmed by published functional studies and their clinical significance is uncertain. This variant has not been reported in the literature in individuals with SCN9A-related conditions. This sequence change replaces valine with isoleucine at codon 1512 of the SCN9A protein (p.Val1512Ile). The valine residue is highly conserved and there is a small physicochemical difference between valine and isoleucine.

NM_001365536.1(SCN9A):c.4567G>A (p.Val1523Ile)

Genes: SCN1A-AS1 (SCN1A and SCN9A antisense RNA 1; plus strand), SCN9A (sodium voltage-gated channel alpha subunit 9; minus strand). Cytogenetic location: 2q24.3.
Variant type: single nucleotide variant.
Coding change: c.4567G>A on transcript NM_001365536.1 (MANE Select); coding-DNA position 4567, G replaced by A.
Protein change: p.Val1523Ile; replaces valine 1523 with isoleucine.
Molecular consequence: missense variant.
Genome position (GRCh38, 1-based): chr2:166,204,162, C>T on the plus strand (G>A on the coding strand, the complement: SCN9A is on the minus strand). VCF-style: chr2-166204162-C-T. GRCh37 (hg19) VCF-style: chr2-167060672-C-T.
Other names: c.4534G>A, p.Val1512Ile (NM_002977.4); short protein forms V1512I, V1523I.
Identifiers: ClinVar variation 1445188 (VCV001445188.9), dbSNP rs749548794, ClinGen allele CA1943825.